The following is an entry in ClinVar:

ClinVar aggregate classification (germline): Likely benign. Review status: criteria provided, multiple submitters, no conflicts (2 of 4 stars). 3 submissions from 3 submitters: Likely benign (3). Last evaluated 2025-10-06.

Submissions (3):

Labcorp Genetics (formerly Invitae), Labcorp
Classification: Likely benign. Last evaluated: 2025-10-06. Review status: criteria provided, single submitter. Criteria: Invitae Variant Classification Sherloc (09022015). Collection method: clinical testing. Allele origin: germline.

CeGaT Center for Human Genetics Tuebingen
Classification: Likely benign. Last evaluated: 2024-09-01. Review status: criteria provided, single submitter. Criteria: CeGaT Center For Human Genetics Tuebingen Variant Classification Criteria Version 2. Collection method: clinical testing. Allele origin: germline. Affected: yes. Observed: 1 variant allele.
Comment: ARID1A: BS1

Blueprint Genetics
Classification: Likely benign. Last evaluated: 2024-01-31. Review status: criteria provided, single submitter. Criteria: ACMG Guidelines, 2015. Collection method: clinical testing. Allele origin: germline.

NM_006015.6(ARID1A):c.114GGC[7] (p.Ala44_Ala45dup)

Gene: ARID1A (AT-rich interaction domain 1A; plus strand). Cytogenetic location: 1p36.11.
Variant type: Microsatellite.
Coding change: c.114GGC[7] on transcript NM_006015.6 (MANE Select); seven copies in a row of the 3-base unit GGC starting at c.114; the reference has five copies in a row; two copies, 6 bases duplicated.
Protein change: p.Ala44_Ala45dup.
Molecular consequence: inframe insertion.
Genome position (GRCh38, 1-based): chr1:26,696,526-26,696,531, GGCGGC duplicated; duplicating any 6 consecutive bases within chr1:26,696,517-26,696,531 gives the same sequence; the position shown is the placement nearest the transcript's 3' end. VCF-style (leftmost placement, unchanged base first): chr1-26696516-A-AGGCGGC. GRCh37 (hg19) VCF-style: chr1-27023007-A-AGGCGGC.
Other names: c.114GGC[7], p.Ala44_Ala45dup (NM_139135.4).
Identifiers: ClinVar variation 1346038 (VCV001346038.23), dbSNP rs587779737, ClinGen allele CA521909934.